The following is an entry in ClinVar:

ClinVar aggregate classification (germline): Uncertain significance (1 of 4 stars; one submission).

gnomAD v4.1: 4 of 1,614,112 alleles (0.00025%); highest among the groups gnomAD compares: South Asian, 0.0033%; no homozygotes.

Submission:

Labcorp Genetics (formerly Invitae), Labcorp
Classification: Uncertain significance. Last evaluated: 2024-04-25. Review status: criteria provided, single submitter. Criteria: Invitae Variant Classification Sherloc (09022015). Collection method: clinical testing. Allele origin: germline.
Comment: This sequence change replaces arginine, which is basic and polar, with leucine, which is neutral and non-polar, at codon 814 of the TOPORS protein (p.Arg814Leu). This variant is present in population databases (rs752807518, gnomAD 0.01%). This variant has not been reported in the literature in individuals affected with TOPORS-related conditions. Experimental studies and prediction algorithms are not available or were not evaluated, and the functional significance of this variant is currently unknown. In summary, the available evidence is currently insufficient to determine the role of this variant in disease. Therefore, it has been classified as a Variant of Uncertain Significance.

NM_005802.5(TOPORS):c.2441G>T (p.Arg814Leu)

Gene: TOPORS (TOP1 binding arginine/serine rich protein, E3 ubiquitin ligase; minus strand). Cytogenetic location: 9p21.1.
Variant type: single nucleotide variant.
Coding change: c.2441G>T on transcript NM_005802.5 (MANE Select); coding-DNA position 2441, G replaced by T.
Protein change: p.Arg814Leu; replaces arginine 814 with leucine.
Molecular consequence: missense variant.
Genome position (GRCh38, 1-based): chr9:32,542,084, C>A on the plus strand (G>T on the coding strand, the complement: TOPORS is on the minus strand). VCF-style: chr9-32542084-C-A. GRCh37 (hg19) VCF-style: chr9-32542082-C-A.
Other names: c.2246G>T, p.Arg749Leu (NM_001195622.2); short protein forms R749L, R814L.
Identifiers: ClinVar variation 3685557 (VCV003685557.2).